The following is an entry in ClinVar:

NM_020191.4(MRPS22):c.433G>T (p.Asp145Tyr)

Gene: MRPS22 (mitochondrial ribosomal protein S22; plus strand). Cytogenetic location: 3q23.
Variant type: single nucleotide variant.
Coding change: c.433G>T on transcript NM_020191.4 (MANE Select); coding-DNA position 433, G replaced by T.
Protein change: p.Asp145Tyr; replaces aspartic acid 145 with tyrosine.
Molecular consequence: missense variant.
Genome position (GRCh38, 1-based): chr3:139,348,253, G>T. VCF-style: chr3-139348253-G-T. GRCh37 (hg19) VCF-style: chr3-139067095-G-T.
Other names: c.310G>T, p.Asp104Tyr (NM_001363857.1); c.430G>T, p.Asp144Tyr (NM_001363893.1); short protein forms D144Y, D145Y, D104Y.
Identifiers: ClinVar variation 2585583 (VCV002585583.1), dbSNP rs2472854474, ClinGen allele CA354759970.

ClinVar aggregate classification (germline): Uncertain significance (1 of 4 stars; one submission).

Conditions:
Hypotonia with lactic acidemia and hyperammonemia. Identifiers: Orphanet 137908, MedGen C2673642, MONDO:0012718, OMIM 611719.

Submission:

Neuberg Centre For Genomic Medicine, NCGM
Classification: Uncertain significance for Hypotonia with lactic acidemia and hyperammonemia. Review status: criteria provided, single submitter. Criteria: ACMG Guidelines, 2015. Collection method: clinical testing. Allele origin: germline. Inheritance: Autosomal recessive inheritance. Affected: yes.
Comment: The missense variant c.433G>T (p.Asp145Tyr) in MRPS22 gene has not been reported previously as a pathogenic variant nor as a benign variant, to our knowledge. This variant is novel (not in any individuals) in gnomAD Exomes and 1000 Genomes. The amino acid Aspartic acid at position 145 is changed to a Tyrosine changing protein sequence and it might alter its composition and physico-chemical properties. The residue is conserved across species. For these reasons, this variant has been classified as Uncertain Significance.